The following is an entry in ClinVar:

NM_145239.3(PRRT2):c.760C>G (p.Pro254Ala)

Genes: MVP-DT (MVP divergent transcript; minus strand), PRRT2 (proline rich transmembrane protein 2; plus strand). Cytogenetic location: 16p11.2.
Variant type: single nucleotide variant.
Coding change: c.760C>G on transcript NM_145239.3 (MANE Select); coding-DNA position 760, C replaced by G.
Protein change: p.Pro254Ala; replaces proline 254 with alanine.
Molecular consequence: missense variant.
Genome position (GRCh38, 1-based): chr16:29,813,814, C>G. VCF-style: chr16-29813814-C-G. GRCh37 (hg19) VCF-style: chr16-29825135-C-G.
Other names: c.760C>G, p.Pro254Ala (NM_001256442.2, NM_001256443.2); short protein forms P254A.
Identifiers: ClinVar variation 3571849 (VCV003571849.1).

ClinVar aggregate classification (germline): Uncertain significance (1 of 4 stars; one submission).

Submission:

Athena Diagnostics
Classification: Uncertain significance. Last evaluated: 2024-09-26. Review status: criteria provided, single submitter. Criteria: Athena Diagnostics Criteria. Collection method: clinical testing. Allele origin: unknown.
Comment: Available data are insufficient to determine the clinical significance of the variant at this time. The frequency of this variant in the general population is uninformative in assessment of its pathogenicity. Polyphen and MutationTaster predict this amino acid change may be benign.